The following is an entry in ClinVar:

ClinVar aggregate classification (germline): Uncertain significance (1 of 4 stars; one submission).

Conditions:
Pseudo-Hurler polydystrophy. Also called: ML III; ML III ALPHA/BETA; MUCOLIPIDOSIS IIIA; Type III Mucolipidosis; ML IIIA; Mucolipidosis III Alpha/Beta. Identifiers: Orphanet 423461, Orphanet 577, MedGen C0033788, MONDO:0018931, OMIM 252600.
Mucolipidosis type II. Also called: ML II ALPHA/BETA; Mucolipidosis 2; ML 2; Inclusion cell disease; Leroy Disease; N-acetylglucosamine 1phosphotransferase deficiency. Identifiers: Orphanet 576, MedGen C2673377, MONDO:0009650, OMIM 252500.

Submission:

Labcorp Genetics (formerly Invitae), Labcorp
Classification: Uncertain significance for Pseudo-Hurler polydystrophy; Mucolipidosis type II. Last evaluated: 2021-10-15. Review status: criteria provided, single submitter. Criteria: Invitae Variant Classification Sherloc (09022015). Collection method: clinical testing. Allele origin: germline.
Comment: This sequence change replaces isoleucine with methionine at codon 403 of the GNPTAB protein (p.Ile403Met). The isoleucine residue is highly conserved and there is a small physicochemical difference between isoleucine and methionine. This variant is not present in population databases (ExAC no frequency). This variant has not been reported in the literature in individuals affected with GNPTAB-related conditions. Advanced modeling of protein sequence and biophysical properties (such as structural, functional, and spatial information, amino acid conservation, physicochemical variation, residue mobility, and thermodynamic stability) performed at Invitae indicates that this missense variant is not expected to disrupt GNPTAB protein function. This variant disrupts the p.Ile403 amino acid residue in GNPTAB. Other variant(s) that disrupt this residue have been determined to be pathogenic (PMID: 19659762, 23566849, 25505245, 25788519, 28649523). This suggests that this residue is clinically significant, and that variants that disrupt this residue are likely to be disease-causing. In summary, the available evidence is currently insufficient to determine the role of this variant in disease. Therefore, it has been classified as a Variant of Uncertain Significance.

Literature cited by the submitters: PubMed 19659762; PubMed 23566849; PubMed 25505245; PubMed 25788519; PubMed 28649523.

NM_024312.5(GNPTAB):c.1209T>G (p.Ile403Met)

Gene: GNPTAB (N-acetylglucosamine-1-phosphate transferase subunits alpha and beta; minus strand). Cytogenetic location: 12q23.2.
Variant type: single nucleotide variant.
Coding change: c.1209T>G on transcript NM_024312.5 (MANE Select); coding-DNA position 1209, T replaced by G.
Protein change: p.Ile403Met; replaces isoleucine 403 with methionine.
Molecular consequence: missense variant.
Genome position (GRCh38, 1-based): chr12:101,770,096, A>C on the plus strand (T>G on the coding strand, the complement: GNPTAB is on the minus strand). VCF-style: chr12-101770096-A-C. GRCh37 (hg19) VCF-style: chr12-102163874-A-C.
Other names: short protein forms I403M.
Identifiers: ClinVar variation 1387230 (VCV001387230.6), dbSNP rs947905285, ClinGen allele CA242462233.